The following is an entry in ClinVar:

ClinVar aggregate classification (germline): Uncertain significance (1 of 4 stars; one submission).

gnomAD v4.1: 1 of 1,612,802 alleles (0.000062%); highest among the groups gnomAD compares: Non-Finnish European, 0.000085%; no homozygotes.

Submission:

CeGaT Center for Human Genetics Tuebingen
Classification: Uncertain significance. Last evaluated: 2025-04-01. Review status: criteria provided, single submitter. Criteria: CeGaT Center For Human Genetics Tuebingen Variant Classification Criteria Version 2. Collection method: clinical testing. Allele origin: germline. Affected: yes. Observed: 1 variant allele.
Comment: LRRK2: PM2, BP4

NM_198578.4(LRRK2):c.1403A>G (p.His468Arg)

Gene: LRRK2 (leucine rich repeat kinase 2; plus strand). Cytogenetic location: 12q12.
Variant type: single nucleotide variant.
Coding change: c.1403A>G on transcript NM_198578.4 (MANE Select); coding-DNA position 1403, A replaced by G.
Protein change: p.His468Arg; replaces histidine 468 with arginine.
Molecular consequence: missense variant.
Genome position (GRCh38, 1-based): chr12:40,257,362, A>G. VCF-style: chr12-40257362-A-G. GRCh37 (hg19) VCF-style: chr12-40651164-A-G.
Other names: short protein forms H468R.
Identifiers: ClinVar variation 3905749 (VCV003905749.10).